The following is an entry in ClinVar:

ClinVar aggregate classification (germline): Pathogenic (1 of 4 stars; one submission).

Conditions:
Glycogen storage disease, type II (IOPD). Also called: Pompe Disease; CARDIOMEGALIA GLYCOGENICA DIFFUSA; GLYCOGENOSIS, GENERALIZED, CARDIAC FORM; GSD II; POMPE DISEASE, INFANTILE-ONSET; GLYCOGEN STORAGE DISEASE II, INFANTILE-ONSET. Identifiers: Orphanet 365, MedGen C0017921, MONDO:0009290, OMIM 232300.

Submission:

Genomenon, Inc
Classification: Pathogenic for Glycogen storage disease, type II. Last evaluated: 2026-07-01. Review status: criteria provided, single submitter. Criteria: Genomenon Sequence Variant Interpretation Standards - Updated. Collection method: curation. Allele origin: germline. Affected: yes.
Comment: GAA p.Ser329AlafsTer63 (c.982del) is a frameshift variant that is predicted to introduce a premature termination codon and result in a truncated or absent protein product. This variant has been observed in at least one proband with a GAA-related disorder (PMID:34852371). It is absent or not present at a significant frequency in gnomAD. In conclusion, we classify GAA p.Ser329AlafsTer63 (c.982del) as a pathogenic variant.

Literature cited by the submitters: PubMed 34852371.

NM_000152.5(GAA):c.982del (p.Ser329fs)

Gene: GAA (alpha glucosidase; plus strand). Cytogenetic location: 17q25.3.
Variant type: Deletion.
Coding change: c.982del on transcript NM_000152.5 (MANE Select); coding-DNA position 982, one base deleted (C; older notation c.982delC).
Protein change: p.Ser329fs; shifts the reading frame from serine 329.
Molecular consequence: frameshift variant.
Genome position (GRCh38, 1-based): chr17:80,108,316, C deleted; the last of 3 consecutive C bases (chr17:80,108,314-80,108,316); deleting any one gives the same sequence. VCF-style (leftmost placement, unchanged base first): chr17-80108313-GC-G. GRCh37 (hg19) VCF-style: chr17-78082112-GC-G.
Other names: c.982del, p.Ser329fs (NM_001079803.3, NM_001079804.3, NM_001406741.1 and 1 more transcripts); short protein forms S329fs.
Identifiers: ClinVar variation 4876679 (VCV004876679.1).
Genomic context (GRCh38, chr17:80,108,313, plus strand): 5'-AATCTGTCCCCCAACCCCAGAGCTGCTTCCCTTCCAGATGTGGTCCTGCAGCCGAGCCCT[GC>G]CCTTAGCTGGAGGTCGACAGGTGGGATCCTGGATGTCTACATCTTCCTGGGCCCAGAGCC-3'